The following is an entry in ClinVar:

NM_001211.6(BUB1B):c.2453A>G (p.Asp818Gly)

Gene: BUB1B (BUB1 mitotic checkpoint serine/threonine kinase B; plus strand). Cytogenetic location: 15q15.1.
Variant type: single nucleotide variant.
Coding change: c.2453A>G on transcript NM_001211.6 (MANE Select); coding-DNA position 2453, A replaced by G.
Protein change: p.Asp818Gly; replaces aspartic acid 818 with glycine.
Molecular consequence: missense variant.
Genome position (GRCh38, 1-based): chr15:40,212,566, A>G. VCF-style: chr15-40212566-A-G. GRCh37 (hg19) VCF-style: chr15-40504767-A-G.
Other names: short protein forms D818G.
Identifiers: ClinVar variation 1791518 (VCV001791518.2), dbSNP rs2542575426, ClinGen allele CA391695251.

ClinVar aggregate classification (germline): Uncertain significance (1 of 4 stars; one submission).

Conditions:
Inborn genetic diseases. Identifiers: MedGen C0950123, MeSH D030342.

Submission:

Ambry Genetics
Classification: Uncertain significance for Inborn genetic diseases. Last evaluated: 2022-04-24. Review status: criteria provided, single submitter. Criteria: Ambry Variant Classification Scheme 2023. Collection method: clinical testing. Allele origin: germline.
Comment: The p.D818G variant (also known as c.2453A>G), located in coding exon 19 of the BUB1B gene, results from an A to G substitution at nucleotide position 2453. The aspartic acid at codon 818 is replaced by glycine, an amino acid with similar properties. This amino acid position is conserved. In addition, this alteration is predicted to be tolerated by in silico analysis. Since supporting evidence is limited at this time, the clinical significance of this alteration remains unclear.